The following is an entry in ClinVar:

NM_002246.3(KCNK3):c.980T>C (p.Met327Thr)

Gene: KCNK3 (potassium two pore domain channel subfamily K member 3; plus strand). Cytogenetic location: 2p23.3.
Variant type: single nucleotide variant.
Coding change: c.980T>C on transcript NM_002246.3 (MANE Select); coding-DNA position 980, T replaced by C.
Protein change: p.Met327Thr; replaces methionine 327 with threonine.
Molecular consequence: missense variant.
Genome position (GRCh38, 1-based): chr2:26,728,363, T>C. VCF-style: chr2-26728363-T-C. GRCh37 (hg19) VCF-style: chr2-26951231-T-C.
Other names: short protein forms M327T.
Identifiers: ClinVar variation 3347853 (VCV003347853.1).

ClinVar aggregate classification (germline): Uncertain significance (0 of 4 stars; one submission).

Conditions:
KCNK3-related disorder. Also called: KCNK3-related condition.

gnomAD v4.1: 2 of 1,608,000 alleles (0.00012%); highest among the groups gnomAD compares: Non-Finnish European, 0.00017%; no homozygotes.

Submission:

PreventionGenetics, part of Exact Sciences
Classification: Uncertain significance for KCNK3-related condition. Last evaluated: 2024-05-02. Review status: no assertion criteria provided. Collection method: clinical testing. Allele origin: germline.
Comment: The KCNK3 c.980T>C variant is predicted to result in the amino acid substitution p.Met327Thr. To our knowledge, this variant has not been reported in the literature or in a large population database, indicating this variant is rare. At this time, the clinical significance of this variant is uncertain due to the absence of conclusive functional and genetic evidence.